The following is an entry in ClinVar:

NM_032043.3(BRIP1):c.1894A>T (p.Thr632Ser)

Gene: BRIP1 (BRCA1 interacting DNA helicase 1; minus strand). Cytogenetic location: 17q23.2.
Variant type: single nucleotide variant.
Coding change: c.1894A>T on transcript NM_032043.3 (MANE Select); coding-DNA position 1894, A replaced by T.
Protein change: p.Thr632Ser; replaces threonine 632 with serine.
Molecular consequence: missense variant.
Genome position (GRCh38, 1-based): chr17:61,780,302, T>A on the plus strand (A>T on the coding strand, the complement: BRIP1 is on the minus strand). VCF-style: chr17-61780302-T-A. GRCh37 (hg19) VCF-style: chr17-59857663-T-A.
Other names: short protein forms T632S.
Identifiers: ClinVar variation 1367689 (VCV001367689.11), dbSNP rs1555602149, ClinGen allele CA400479307.

ClinVar aggregate classification (germline): Uncertain significance. Review status: criteria provided, multiple submitters, no conflicts (2 of 4 stars). 2 submissions from 2 submitters: Uncertain significance (2). Last evaluated 2021-07-15.

Conditions:
Hereditary cancer-predisposing syndrome. Also called: Hereditary neoplastic syndrome; Hereditary Cancer Syndrome; Neoplastic Syndromes, Hereditary; Tumor predisposition. Identifiers: Orphanet 140162, MedGen C0027672, MeSH D009386, MONDO:0015356.
Fanconi anemia complementation group J. Also called: BRIP1-Related Fanconi Anemia. Identifiers: Orphanet 84, MedGen C1836860, MONDO:0012187, OMIM 609054.
Familial cancer of breast. Also called: Hereditary breast cancer; BREAST CANCER, FAMILIAL; hereditary breast carcinoma. Identifiers: Orphanet 227535, MedGen C0346153, MONDO:0016419, OMIM 114480. Disease mechanism: loss of function.

Submissions (2):

Labcorp Genetics (formerly Invitae), Labcorp
Classification: Uncertain significance for Familial cancer of breast; Fanconi anemia complementation group J. Last evaluated: 2021-07-15. Review status: criteria provided, single submitter. Criteria: Invitae Variant Classification Sherloc (09022015). Collection method: clinical testing. Allele origin: germline.
Comment: This sequence change replaces threonine with serine at codon 632 of the BRIP1 protein (p.Thr632Ser). The threonine residue is weakly conserved and there is a small physicochemical difference between threonine and serine. This variant is not present in population databases (ExAC no frequency). This variant has not been reported in the literature in individuals affected with BRIP1-related conditions. Algorithms developed to predict the effect of missense changes on protein structure and function output the following: SIFT: "Tolerated"; PolyPhen-2: "Benign"; Align-GVGD: "Class C0". The serine amino acid residue is found in multiple mammalian species, which suggests that this missense change does not adversely affect protein function. In summary, the available evidence is currently insufficient to determine the role of this variant in disease. Therefore, it has been classified as a Variant of Uncertain Significance.

Ambry Genetics
Classification: Uncertain significance for Hereditary cancer-predisposing syndrome. Last evaluated: 2015-10-10. Review status: criteria provided, single submitter. Criteria: Ambry Variant Classification Scheme 2023. Collection method: clinical testing. Allele origin: germline.
Comment: The p.T632S variant (also known as c.1894A>T), located in coding exon 12 of the BRIP1 gene, results from an A to T substitution at nucleotide position 1894. The threonine at codon 632 is replaced by serine, an amino acid with similar properties. This variant was not reported in population based cohorts in the following databases: Database of Single Nucleotide Polymorphisms (dbSNP), NHLBI Exome Sequencing Project (ESP), and 1000 Genomes Project. In the ESP, this variant was not observed in 6503 samples (13006 alleles) with coverage at this position. To date, this alteration has been detected with an allele frequency of approximately 0.002% (greater than 65000 alleles tested) in our clinical cohort. This amino acid position is poorly conserved in available vertebrate species. In addition, this alteration is predicted to be tolerated by in silico analysis. Since supporting evidence is limited at this time, the clinical significance of p.T632S remains unclear.